The following is an entry in ClinVar:

NM_002017.5(FLI1):c.1015C>T (p.Leu339Phe)

Gene: FLI1 (Fli-1 proto-oncogene, ETS transcription factor; plus strand). Cytogenetic location: 11q24.3.
Variant type: single nucleotide variant.
Coding change: c.1015C>T on transcript NM_002017.5 (MANE Select); coding-DNA position 1015, C replaced by T.
Protein change: p.Leu339Phe; replaces leucine 339 with phenylalanine.
Molecular consequence: missense variant.
Genome position (GRCh38, 1-based): chr11:128,810,644, C>T. VCF-style: chr11-128810644-C-T. GRCh37 (hg19) VCF-style: chr11-128680539-C-T.
Other names: c.916C>T, p.Leu306Phe (NM_001167681.3, NM_001440369.1, NM_001440370.1 and 1 more transcripts); c.817C>T, p.Leu273Phe (NM_001271010.2); c.436C>T, p.Leu146Phe (NM_001271012.2); c.889C>T, p.Leu297Phe (NM_001440372.1); short protein forms L273F, L339F, L146F, L297F, L306F.
Identifiers: ClinVar variation 4743866 (VCV004743866.1).

ClinVar aggregate classification (germline): Uncertain significance (1 of 4 stars; one submission).

gnomAD v4.1: 1 of 1,614,090 alleles (0.000062%); highest among the groups gnomAD compares: South Asian, 0.0011%; no homozygotes.

Submission:

Labcorp Genetics (formerly Invitae), Labcorp
Classification: Uncertain significance. Last evaluated: 2025-10-19. Review status: criteria provided, single submitter. Criteria: Invitae Variant Classification Sherloc (09022015). Collection method: clinical testing. Allele origin: germline.
Comment: This sequence change replaces leucine, which is neutral and non-polar, with phenylalanine, which is neutral and non-polar, at codon 339 of the FLI1 protein (p.Leu339Phe). This variant is not present in population databases (gnomAD no frequency). This variant has not been reported in the literature in individuals affected with FLI1-related conditions. Invitae Evidence Modeling of protein sequence and biophysical properties (such as structural, functional, and spatial information, amino acid conservation, physicochemical variation, residue mobility, and thermodynamic stability) indicates that this missense variant is expected to disrupt FLI1 protein function with a positive predictive value of 80%. In summary, the available evidence is currently insufficient to determine the role of this variant in disease. Therefore, it has been classified as a Variant of Uncertain Significance.